The following is an entry in ClinVar:

NM_032043.3(BRIP1):c.1440G>A (p.Met480Ile)

Gene: BRIP1 (BRCA1 interacting DNA helicase 1; minus strand). Cytogenetic location: 17q23.2.
Variant type: single nucleotide variant.
Coding change: c.1440G>A on transcript NM_032043.3 (MANE Select); coding-DNA position 1440, G replaced by A.
Protein change: p.Met480Ile; replaces methionine 480 with isoleucine.
Molecular consequence: missense variant.
Genome position (GRCh38, 1-based): chr17:61,793,630, C>T on the plus strand (G>A on the coding strand, the complement: BRIP1 is on the minus strand). VCF-style: chr17-61793630-C-T. GRCh37 (hg19) VCF-style: chr17-59870991-C-T.
Other names: short protein forms M480I.
Identifiers: ClinVar variation 2942448 (VCV002942448.3), dbSNP rs1555605887, ClinGen allele CA400482097.

ClinVar aggregate classification (germline): Uncertain significance (1 of 4 stars; one submission).

Conditions:
Fanconi anemia complementation group J. Also called: BRIP1-Related Fanconi Anemia. Identifiers: Orphanet 84, MedGen C1836860, MONDO:0012187, OMIM 609054.
Familial cancer of breast. Also called: BREAST CANCER, FAMILIAL; Hereditary breast cancer; hereditary breast carcinoma. Identifiers: Orphanet 227535, MedGen C0346153, MONDO:0016419, OMIM 114480. Disease mechanism: loss of function.

Submission:

Labcorp Genetics (formerly Invitae), Labcorp
Classification: Uncertain significance for Familial cancer of breast; Fanconi anemia complementation group J. Last evaluated: 2022-12-18. Review status: criteria provided, single submitter. Criteria: Invitae Variant Classification Sherloc (09022015). Collection method: clinical testing. Allele origin: germline.
Comment: In summary, the available evidence is currently insufficient to determine the role of this variant in disease. Therefore, it has been classified as a Variant of Uncertain Significance. Advanced modeling of protein sequence and biophysical properties (such as structural, functional, and spatial information, amino acid conservation, physicochemical variation, residue mobility, and thermodynamic stability) performed at Invitae indicates that this missense variant is not expected to disrupt BRIP1 protein function. This variant has not been reported in the literature in individuals affected with BRIP1-related conditions. This variant is not present in population databases (gnomAD no frequency). This sequence change replaces methionine, which is neutral and non-polar, with isoleucine, which is neutral and non-polar, at codon 480 of the BRIP1 protein (p.Met480Ile).